The following is an entry in ClinVar:

NM_001164508.2(NEB):c.24742C>T (p.Arg8248Cys)

Genes: NEB (nebulin; minus strand), RIF1 (replication timing regulatory factor 1; plus strand). Cytogenetic location: 2q23.3.
Variant type: single nucleotide variant.
Coding change: c.24742C>T on transcript NM_001164508.2 (MANE Select); coding-DNA position 24742, C replaced by T.
Protein change: p.Arg8248Cys; replaces arginine 8248 with cysteine.
Molecular consequence: missense variant.
Genome position (GRCh38, 1-based): chr2:151,493,376, G>A on the plus strand (C>T on the coding strand, the complement: NEB is on the minus strand). VCF-style: chr2-151493376-G-A. GRCh37 (hg19) VCF-style: chr2-152349890-G-A.
Other names: c.24742C>T, p.Arg8248Cys (NM_001164507.2); c.24847C>T, p.Arg8283Cys (NM_001271208.2); c.19174C>T, p.Arg6392Cys (NM_004543.5); short protein forms R8283C, R8248C, R6392C.
Identifiers: ClinVar variation 574648 (VCV000574648.8), dbSNP rs748561855, ClinGen allele CA1905936.

ClinVar aggregate classification (germline): Uncertain significance. Review status: criteria provided, multiple submitters, no conflicts (2 of 4 stars). 4 submissions from 4 submitters: Uncertain significance (3). 1 of the submissions does not count toward it. Last evaluated 2022-12-13.

Conditions:
Nemaline myopathy 2 (NEM2). Also called: Nemaline myopathy 2, autosomal recessive. Identifiers: MedGen C1850569, MONDO:0009725, OMIM 256030.

Allele frequency attached by ClinVar (database versions not stated): gnomAD exomes below 0.00001; TOPMed 0.00001; gnomAD 0.00002.
gnomAD v4.1: 14 of 1,611,862 alleles (0.00087%); highest among the groups gnomAD compares: East Asian, 0.0022%; no homozygotes.

Submissions (4):

Revvity Omics, Revvity
Classification: Uncertain significance. Last evaluated: 2022-12-13. Review status: criteria provided, single submitter. Criteria: ACMG Guidelines, 2015. Collection method: clinical testing. Allele origin: germline.

Labcorp Genetics (formerly Invitae), Labcorp
Classification: Uncertain significance for Nemaline myopathy 2. Last evaluated: 2021-09-01. Review status: criteria provided, single submitter. Criteria: Invitae Variant Classification Sherloc (09022015). Collection method: clinical testing. Allele origin: germline.
Comment: This sequence change replaces arginine with cysteine at codon 8283 of the NEB protein (p.Arg8283Cys). The arginine residue is moderately conserved and there is a large physicochemical difference between arginine and cysteine. This variant is present in population databases (rs748561855, ExAC 0.002%). This variant has not been reported in the literature in individuals affected with NEB-related conditions. Algorithms developed to predict the effect of missense changes on protein structure and function are either unavailable or do not agree on the potential impact of this missense change (SIFT: "Deleterious"; PolyPhen-2: "Not Available"; Align-GVGD: "Class C0"). In summary, the available evidence is currently insufficient to determine the role of this variant in disease. Therefore, it has been classified as a Variant of Uncertain Significance.

Blueprint Genetics
Classification: Uncertain significance. Last evaluated: 2017-06-08. Review status: criteria provided, single submitter. Criteria: ACMG Guidelines, 2015. Collection method: clinical testing. Allele origin: germline.

Natera, Inc.
Classification: Uncertain significance for Nemaline myopathy type 2. Last evaluated: 2020-09-16. Review status: no assertion criteria provided. Collection method: clinical testing. Allele origin: germline. Not counted in ClinVar's aggregate classification.